The following is an entry in ClinVar:

ClinVar aggregate classification (germline): Uncertain significance (1 of 4 stars; one submission).

Conditions:
Long QT syndrome (LQTS). Identifiers: MedGen C0023976, MeSH D008133, MONDO:0002442. Disease mechanism: loss of function. Inheritance: Various modes of inheritance.

Allele frequency attached by ClinVar (database versions not stated): gnomAD exomes below 0.00001.

Submission:

Labcorp Genetics (formerly Invitae), Labcorp
Classification: Uncertain significance for Long QT syndrome. Last evaluated: 2024-01-09. Review status: criteria provided, single submitter. Criteria: Invitae Variant Classification Sherloc (09022015). Collection method: clinical testing. Allele origin: germline.
Comment: This sequence change replaces glutamic acid, which is acidic and polar, with glycine, which is neutral and non-polar, at codon 674 of the KCNQ1 protein (p.Glu674Gly). This variant is not present in population databases (gnomAD no frequency). This variant has not been reported in the literature in individuals affected with KCNQ1-related conditions. Advanced modeling of protein sequence and biophysical properties (such as structural, functional, and spatial information, amino acid conservation, physicochemical variation, residue mobility, and thermodynamic stability) has been performed at Invitae for this missense variant, however the output from this modeling did not meet the statistical confidence thresholds required to predict the impact of this variant on KCNQ1 protein function. In summary, the available evidence is currently insufficient to determine the role of this variant in disease. Therefore, it has been classified as a Variant of Uncertain Significance.

NM_000218.3(KCNQ1):c.2021A>G (p.Glu674Gly)

Genes: KCNQ1 (potassium voltage-gated channel subfamily Q member 1; plus strand), KCNQ1-AS1 (KCNQ1 antisense RNA 1; minus strand). Cytogenetic location: 11p15.4.
Variant type: single nucleotide variant.
Coding change: c.2021A>G on transcript NM_000218.3 (MANE Select); coding-DNA position 2021, A replaced by G.
Protein change: p.Glu674Gly; replaces glutamic acid 674 with glycine.
Molecular consequence: missense variant.
Genome position (GRCh38, 1-based): chr11:2,847,993, A>G. VCF-style: chr11-2847993-A-G. GRCh37 (hg19) VCF-style: chr11-2869223-A-G.
Other names: c.1925A>G, p.Glu642Gly (NM_001406836.1); c.1751A>G, p.Glu584Gly (NM_001406837.1); c.1481A>G, p.Glu494Gly (NM_001406838.1); c.533A>G, p.Glu178Gly (NM_001406839.1); c.1640A>G, p.Glu547Gly (NM_181798.2); short protein forms E494G, E584G, E642G, E547G, E178G, E674G.
Identifiers: ClinVar variation 2956974 (VCV002956974.2), dbSNP rs2494328003, ClinGen allele CA379140636.
Genomic context (GRCh38, chr11:2,847,993, plus strand): 5'-TGCCCAGCAACACCCTGCCCACCTACGAGCAGCTGACCGTGCCCAGGAGGGGCCCCGATG[A>G]GGGGTCCTGAGGAGGGGATGGGGCTGGGGGATGGGCCTGAGTGAGAGGGGAGGCCAAGAG-3'
Protein context (NP_000209.2, residues 664-676): QLTVPRRGPD[Glu674Gly]GS